The following is an entry in ClinVar:

NM_018136.5(ASPM):c.3904G>T (p.Ala1302Ser)

Gene: ASPM (assembly factor for spindle microtubules; minus strand). Cytogenetic location: 1q31.3.
Variant type: single nucleotide variant.
Coding change: c.3904G>T on transcript NM_018136.5 (MANE Select); coding-DNA position 3904, G replaced by T.
Protein change: p.Ala1302Ser; replaces alanine 1302 with serine.
Molecular consequence: missense variant.
Genome position (GRCh38, 1-based): chr1:197,117,950, C>A on the plus strand (G>T on the coding strand, the complement: ASPM is on the minus strand). VCF-style: chr1-197117950-C-A. GRCh37 (hg19) VCF-style: chr1-197087080-C-A.
Other names: c.3904G>T, p.Ala1302Ser (NM_001206846.2); short protein forms A1302S.
Identifiers: ClinVar variation 3391195 (VCV003391195.1).

ClinVar aggregate classification (germline): Uncertain significance (1 of 4 stars; one submission).

Conditions:
Microcephaly 5, primary, autosomal recessive (MCPH5). Also called: ASPM Primary Microcephaly. Identifiers: Orphanet 2512, MedGen C1837501, MONDO:0012106, OMIM 608716.

Submission:

Neuberg Centre For Genomic Medicine, NCGM
Classification: Uncertain significance for Microcephaly 5, primary, autosomal recessive. Last evaluated: 2023-06-22. Review status: criteria provided, single submitter. Criteria: ACMG Guidelines, 2015. Collection method: clinical testing. Allele origin: germline. Inheritance: Autosomal recessive inheritance. Affected: yes.
Comment: The observed missense c.3904G>Tp.Ala1302Ser variant in ASPM gene has not been reported previously as a pathogenic variant nor as a benign variant, to our knowledge. This variant is absent in gnomAD Exomes. Multiple lines of computational evidence Polyphen - Benign, SIFT - Tolerated, and MutationTaster - Polymorphism predicts conflicting evidence on protein structure and function for this variant. For these reasons, this variant has been classified as Uncertain Significance.